The following is an entry in ClinVar:

ClinVar aggregate classification (germline): Conflicting classifications of pathogenicity. Review status: criteria provided, conflicting classifications (1 of 4 stars). 3 submissions from 3 submitters: Uncertain significance (2); Likely benign (1). Last evaluated 2025-12-17.

Conditions:
Hereditary cancer-predisposing syndrome. Also called: Hereditary Cancer Syndrome; Tumor predisposition; Hereditary neoplastic syndrome; Neoplastic Syndromes, Hereditary. Identifiers: Orphanet 140162, MedGen C0027672, MeSH D009386, MONDO:0015356.
BAP1-related tumor predisposition syndrome (TPDS1). Also called: BAP1 tumor predisposition syndrome; Tumor susceptibility linked to germline BAP1 mutations; TUMOR PREDISPOSITION SYNDROME 1; COMMON Syndrome. Identifiers: Orphanet 289539, MedGen C3280492, MONDO:0013692, OMIM 614327.

Allele frequency attached by ClinVar (database versions not stated): gnomAD exomes below 0.00001; TOPMed below 0.00001; gnomAD 0.00001.

Submissions (3):

Labcorp Genetics (formerly Invitae), Labcorp
Classification: Uncertain significance for BAP1-related tumor predisposition syndrome. Last evaluated: 2025-12-17. Review status: criteria provided, single submitter. Criteria: Invitae Variant Classification Sherloc (09022015). Collection method: clinical testing. Allele origin: germline.
Comment: This sequence change replaces glycine, which is neutral and non-polar, with serine, which is neutral and polar, at codon 500 of the BAP1 protein (p.Gly500Ser). This variant is not present in population databases (gnomAD no frequency). This variant has not been reported in the literature in individuals affected with BAP1-related conditions. ClinVar contains an entry for this variant (Variation ID: 646782). Invitae Evidence Modeling of protein sequence and biophysical properties (such as structural, functional, and spatial information, amino acid conservation, physicochemical variation, residue mobility, and thermodynamic stability) indicates that this missense variant is expected to disrupt BAP1 protein function with a positive predictive value of 80%. In summary, the available evidence is currently insufficient to determine the role of this variant in disease. Therefore, it has been classified as a Variant of Uncertain Significance.

Ambry Genetics
Classification: Likely benign for Hereditary cancer-predisposing syndrome. Last evaluated: 2025-07-11. Review status: criteria provided, single submitter. Criteria: Ambry Variant Classification Scheme 2023. Collection method: clinical testing. Allele origin: germline.

Baylor Genetics
Classification: Uncertain significance for BAP1-related tumor predisposition syndrome. Last evaluated: 2023-05-24. Review status: criteria provided, single submitter. Criteria: ACMG Guidelines, 2015. Collection method: clinical testing. Allele origin: unknown.

Literature cited by the submitters: PubMed 38969833 (cited by Ambry Genetics).

NM_004656.4(BAP1):c.1498G>A (p.Gly500Ser)

Gene: BAP1 (BRCA1 associated deubiquitinase 1; minus strand). Cytogenetic location: 3p21.1.
Variant type: single nucleotide variant.
Coding change: c.1498G>A on transcript NM_004656.4 (MANE Select); coding-DNA position 1498, G replaced by A.
Protein change: p.Gly500Ser; replaces glycine 500 with serine.
Molecular consequence: missense variant.
Genome position (GRCh38, 1-based): chr3:52,403,647, C>T on the plus strand (G>A on the coding strand, the complement: BAP1 is on the minus strand). VCF-style: chr3-52403647-C-T. GRCh37 (hg19) VCF-style: chr3-52437663-C-T.
Other names: short protein forms G500S.
Identifiers: ClinVar variation 646782 (VCV000646782.10), dbSNP rs1378012462, ClinGen allele CA353100976.